The following is an entry in ClinVar:

ClinVar aggregate classification (germline): Uncertain significance (1 of 4 stars; one submission).

Conditions:
Melnick-Needles syndrome (MNS). Also called: MELNICK-NEEDLES OSTEODYSPLASTY; OSTEODYSPLASTY OF MELNICK AND NEEDLES; Melnick-Needles Syndrome (FLNA-MNS). Identifiers: Orphanet 2484, MedGen C0025237, MONDO:0010650, OMIM 309350.
Frontometaphyseal dysplasia (FMD1). Identifiers: Orphanet 1826, MedGen C0265293, MONDO:0015942.
Heterotopia, periventricular, X-linked dominant (PVNH1). Also called: PERIVENTRICULAR NODULAR HETEROTOPIA 1; X-linked periventricular heterotopia; PERIVENTRICULAR NODULAR HETEROTOPIA 4; HETEROTOPIA, PERIVENTRICULAR, 1. Identifiers: Orphanet 2149, Orphanet 82004, MedGen C1848213, MONDO:0010233, OMIM 300049.
Oto-palato-digital syndrome, type II (OPD2). Also called: FACIOPALATOOSSEOUS SYNDROME; OPD II SYNDROME; Otopalatodigital Syndrome, Type II; Otopalatodigital Syndrome Type 2 (FLNA-OPD2). Identifiers: Orphanet 669, Orphanet 90652, MedGen C1844696, MONDO:0010571, OMIM 304120.

Submissions (2):

Labcorp Genetics (formerly Invitae), Labcorp
Classification: Uncertain significance for Oto-palato-digital syndrome, type II; Heterotopia, periventricular, X-linked dominant; Frontometaphyseal dysplasia; Melnick-Needles syndrome. Last evaluated: 2024-07-23. Review status: criteria provided, single submitter. Criteria: Invitae Variant Classification Sherloc (09022015). Collection method: clinical testing. Allele origin: germline.
Comment: This sequence change replaces leucine, which is neutral and non-polar, with valine, which is neutral and non-polar, at codon 1991 of the FLNA protein (p.Leu1991Val). This variant is not present in population databases (gnomAD no frequency). This variant has not been reported in the literature in individuals affected with FLNA-related conditions. Advanced modeling of protein sequence and biophysical properties (such as structural, functional, and spatial information, amino acid conservation, physicochemical variation, residue mobility, and thermodynamic stability) performed at Invitae indicates that this missense variant is not expected to disrupt FLNA protein function with a negative predictive value of 95%. In summary, the available evidence is currently insufficient to determine the role of this variant in disease. Therefore, it has been classified as a Variant of Uncertain Significance.

Dr. Peter K. Rogan Lab, Western University
No classification provided (evidence only). Condition: Thyroid cancer, nonmedullary, 1. Review status: no classification provided. Collection method: in vitro. Allele origin: not applicable. Functional consequence: retained intron. Not counted in ClinVar's aggregate classification.

NM_001110556.2(FLNA):c.5995C>G (p.Leu1999Val)

Gene: FLNA (filamin A; minus strand). Cytogenetic location: Xq28.
Variant type: single nucleotide variant.
Coding change: c.5995C>G on transcript NM_001110556.2 (MANE Select); coding-DNA position 5995, C replaced by G.
Protein change: p.Leu1999Val; replaces leucine 1999 with valine.
Molecular consequence: missense variant.
Genome position (GRCh38, 1-based): chrX:154,353,323, G>C on the plus strand (C>G on the coding strand, the complement: FLNA is on the minus strand). VCF-style: chrX-154353323-G-C. GRCh37 (hg19) VCF-style: chrX-153581691-G-C.
Other names: c.5971C>G, p.Leu1991Val (NM_001456.4); short protein forms L1991V, L1999V.
Identifiers: ClinVar variation 3753975 (VCV003753975.3).
Genomic context (GRCh38, chrX:154,353,323, plus strand): 5'-TTTCTGAACCCCCTGGACCCTTCAGCCGCTTACCCACGTGGCCATTACGCAGCCGCTTCA[G>C]CAAACAGGGCTCCTCCCGGCCCGAGGGCGGGACCACAGTGGCCGTCAGCAGGCTGAGATC-3'
Protein context (NP_001104026.1, residues 1989-2009): PPSGREEPCL[Leu1999Val]KRLRNGHVGI